The following is an entry in ClinVar:

NM_014956.5(CEP164):c.121A>G (p.Ile41Val)

Gene: CEP164 (centrosomal protein 164; plus strand). Cytogenetic location: 11q23.3.
Variant type: single nucleotide variant.
Coding change: c.121A>G on transcript NM_014956.5 (MANE Select); coding-DNA position 121, A replaced by G.
Protein change: p.Ile41Val; replaces isoleucine 41 with valine.
Molecular consequence: missense variant.
Genome position (GRCh38, 1-based): chr11:117,344,204, A>G. VCF-style: chr11-117344204-A-G. GRCh37 (hg19) VCF-style: chr11-117214920-A-G.
Other names: c.121A>G, p.Ile41Val (NM_001271933.2); c.121A>G (NM_014956.4); short protein forms I41V.
Identifiers: ClinVar variation 1942052 (VCV001942052.6), dbSNP rs1295536967, ClinGen allele CA382721949.

ClinVar aggregate classification (germline): Uncertain significance. Review status: criteria provided, multiple submitters, no conflicts (2 of 4 stars). 2 submissions from 2 submitters: Uncertain significance (2). Last evaluated 2026-01-26.

Conditions:
CEP164-related disorder. Also called: CEP164-related condition.
Nephronophthisis 15 (NPHP15). Identifiers: Orphanet 3156, MedGen C3541853, MONDO:0013917, OMIM 614845.

Allele frequency attached by ClinVar (database versions not stated): gnomAD exomes below 0.00001.
gnomAD v4.1: 1 of 1,613,586 alleles (0.000062%); highest among the groups gnomAD compares: Admixed American, 0.0017%; no homozygotes.

Submissions (2):

PreventionGenetics, part of Exact Sciences
Classification: Uncertain significance for CEP164-related condition. Last evaluated: 2026-01-26. Review status: criteria provided, single submitter. Criteria: ACMG Guidelines, 2015. Collection method: clinical testing. Allele origin: germline.
Comment: The CEP164 c.121A>G variant is predicted to result in the amino acid substitution p.Ile41Val. To our knowledge, this variant has not been reported in the literature. This variant is reported in 0.0029% of alleles in individuals of Latino descent in gnomAD. At this time, the clinical significance of this variant is uncertain due to the absence of conclusive functional and genetic evidence.

Labcorp Genetics (formerly Invitae), Labcorp
Classification: Uncertain significance for Nephronophthisis 15. Last evaluated: 2022-03-14. Review status: criteria provided, single submitter. Criteria: Invitae Variant Classification Sherloc (09022015). Collection method: clinical testing. Allele origin: germline.
Comment: In summary, the available evidence is currently insufficient to determine the role of this variant in disease. Therefore, it has been classified as a Variant of Uncertain Significance. This sequence change replaces isoleucine, which is neutral and non-polar, with valine, which is neutral and non-polar, at codon 41 of the CEP164 protein (p.Ile41Val). This variant is present in population databases (no rsID available, gnomAD 0.003%). This variant has not been reported in the literature in individuals affected with CEP164-related conditions. Algorithms developed to predict the effect of missense changes on protein structure and function output the following: SIFT: "Tolerated"; PolyPhen-2: "Benign"; Align-GVGD: "Class C0". The valine amino acid residue is found in multiple mammalian species, which suggests that this missense change does not adversely affect protein function.